The following is an entry in ClinVar:

NM_139276.3(STAT3):c.1110-2A>G

Gene: STAT3 (signal transducer and activator of transcription 3; minus strand). Cytogenetic location: 17q21.2.
Variant type: single nucleotide variant.
Coding change: c.1110-2A>G on transcript NM_139276.3 (MANE Select); the canonical splice acceptor site of the intron before coding-DNA position 1110, A replaced by G.
Molecular consequence: splice acceptor variant. On other transcripts: missense variant (2).
Genome position (GRCh38, 1-based): chr17:42,329,778, T>C on the plus strand (A>G on the coding strand, the complement: STAT3 is on the minus strand). VCF-style: chr17-42329778-T-C. GRCh37 (hg19) VCF-style: chr17-40481796-T-C.
Other names: c.1123A>G, p.Arg375Gly (NM_001384986.1, NM_001384990.1); c.1014-2A>G (NM_001384989.1); c.1050-2A>G (NM_001384992.1); c.1110-2A>G (NM_001384984.1, NM_001369519.1, NM_003150.4 and 12 more transcripts); c.1032-2A>G (NM_001384985.1); short protein forms R375G.
Identifiers: ClinVar variation 1398166 (VCV001398166.8), dbSNP rs2144778323, ClinGen allele CA399589501.

ClinVar aggregate classification (germline): Pathogenic (1 of 4 stars; one submission).

Conditions:
STAT3 gain of function. Identifiers: MedGen C4288261.
Hyper-IgE recurrent infection syndrome 1, autosomal dominant. Also called: HYPER-IgE SYNDROME 1, AUTOSOMAL DOMINANT, WITH RECURRENT INFECTIONS; JOB SYNDROME; Job's Syndrome; STAT3 Hyper IgE Syndrome; Hyper-IgE recurrent infection syndrome 1. Identifiers: Orphanet 2314, MedGen C2936739, MONDO:0007818, OMIM 147060.

Submission:

Labcorp Genetics (formerly Invitae), Labcorp
Classification: Pathogenic for STAT3 gain of function; Hyper-IgE recurrent infection syndrome 1, autosomal dominant. Last evaluated: 2025-07-25. Review status: criteria provided, single submitter. Criteria: Invitae Variant Classification Sherloc (09022015). Collection method: clinical testing. Allele origin: germline.
Comment: This sequence change affects an acceptor splice site in intron 11 of the STAT3 gene. It is expected to disrupt RNA splicing. Variants that disrupt the donor or acceptor splice site typically lead to a loss of protein function (PMID: 16199547), however the current clinical and genetic evidence is not sufficient to establish whether loss-of-function variants in STAT3 cause disease. This variant is not present in population databases (gnomAD no frequency). Disruption of this splice site has been observed in individuals with hyper IgE syndrome (PMID: 20159255, 23584561; internal data). This variant is also known as D371_G380del or delAA371-380. ClinVar contains an entry for this variant (Variation ID: 1398166). Algorithms developed to predict the effect of sequence changes on RNA splicing suggest that this variant may disrupt the consensus splice site. For these reasons, this variant has been classified as Pathogenic.

Literature cited by the submitters: PubMed 16199547; PubMed 20159255; PubMed 23584561.